The following is an entry in ClinVar:

ClinVar aggregate classification (germline): Conflicting classifications of pathogenicity. Review status: criteria provided, conflicting classifications (1 of 4 stars). 3 submissions from 3 submitters: Uncertain significance (2); Likely benign (1). Last evaluated 2025-03-14.

Conditions:
Autosomal dominant nonsyndromic hearing loss 11. Identifiers: Orphanet 90635, MedGen C1832475, MONDO:0011032, OMIM 601317.

Allele frequency attached by ClinVar (database versions not stated): TOPMed 0.00002.
gnomAD v4.1: 32 of 1,526,890 alleles (0.0021%); highest among the groups gnomAD compares: Admixed American, 0.037%; no homozygotes.

Submissions (3):

Labcorp Genetics (formerly Invitae), Labcorp
Classification: Likely benign. Last evaluated: 2025-03-14. Review status: criteria provided, single submitter. Criteria: Invitae Variant Classification Sherloc (09022015). Collection method: clinical testing. Allele origin: germline.

Blueprint Genetics
Classification: Uncertain significance. Last evaluated: 2022-04-11. Review status: criteria provided, single submitter. Criteria: ACMG Guidelines, 2015. Collection method: clinical testing. Allele origin: germline.

Baylor Genetics
Classification: Uncertain significance for Autosomal dominant nonsyndromic hearing loss 11. Last evaluated: 2018-03-01. Review status: criteria provided, single submitter. Criteria: ACMG Guidelines, 2015. Collection method: clinical testing. Allele origin: paternal. Affected: yes.
Comment: This variant was determined to be of uncertain significance according to ACMG Guidelines, 2015 [PMID:25741868].

NM_000260.4(MYO7A):c.2573G>A (p.Arg858His)

Gene: MYO7A (myosin VIIA; plus strand). Cytogenetic location: 11q13.5.
Variant type: single nucleotide variant.
Coding change: c.2573G>A on transcript NM_000260.4 (MANE Select); coding-DNA position 2573, G replaced by A.
Protein change: p.Arg858His; replaces arginine 858 with histidine.
Molecular consequence: missense variant.
Genome position (GRCh38, 1-based): chr11:77,179,940, G>A. VCF-style: chr11-77179940-G-A. GRCh37 (hg19) VCF-style: chr11-76890986-G-A.
Other names: c.2573G>A, p.Arg858His (NM_001127180.2); c.2540G>A, p.Arg847His (NM_001369365.1); short protein forms R858H, R847H.
Identifiers: ClinVar variation 1031479 (VCV001031479.6), dbSNP rs782428224, ClinGen allele CA381942047.